The following is an entry in ClinVar:

ClinVar aggregate classification (germline): Likely benign (0 of 4 stars; one submission).

Conditions:
GCC2-related disorder. Also called: GCC2-related condition.

Allele frequency attached by ClinVar (database versions not stated): TOPMed below 0.00001; gnomAD 0.00001.
gnomAD v4.1: 23 of 1,613,570 alleles (0.0014%); highest among the groups gnomAD compares: Admixed American, 0.0033%; no homozygotes.

Submission:

PreventionGenetics, part of Exact Sciences
Classification: Likely benign for GCC2-related condition. Last evaluated: 2023-04-06. Review status: no assertion criteria provided. Collection method: clinical testing. Allele origin: germline.
Comment: This variant is classified as likely benign based on ACMG/AMP sequence variant interpretation guidelines (Richards et al. 2015 PMID: 25741868, with internal and published modifications).

NM_181453.4(GCC2):c.2352G>A (p.Gln784=)

Gene: GCC2 (GRIP and coiled-coil domain containing 2; plus strand). Cytogenetic location: 2q12.3.
Variant type: single nucleotide variant.
Coding change: c.2352G>A on transcript NM_181453.4 (MANE Select); coding-DNA position 2352, G replaced by A.
Protein change: p.Gln784=; no amino-acid change (glutamine 784 retained).
Molecular consequence: synonymous variant.
Genome position (GRCh38, 1-based): chr2:108,471,681, G>A. VCF-style: chr2-108471681-G-A. GRCh37 (hg19) VCF-style: chr2-109088137-G-A.
Other names: c.2049G>A, p.Gln683= (NM_001410194.1, NM_014635.3).
Identifiers: ClinVar variation 3037115 (VCV003037115.2), dbSNP rs1014322616, ClinGen allele CA53431087.